The following is an entry in ClinVar:

ClinVar aggregate classification (germline): Pathogenic (1 of 4 stars; one submission).

Conditions:
Ehlers-Danlos syndrome, dermatosparaxis type. Also called: EDS VIIC; Dermatosparaxis; Ehlers-Danlos syndrome, type VII, autosomal recessive. Identifiers: Orphanet 1901, MedGen C2700425, MONDO:0009161, OMIM 225410.

Submission:

Myriad Genetics, Inc.
Classification: Pathogenic for Ehlers-Danlos syndrome, dermatosparaxis type. Last evaluated: 2024-05-14. Review status: criteria provided, single submitter. Criteria: Myriad Autosomal Dominant, Autosomal Recessive and X-Linked Classification Criteria (2023). Collection method: clinical testing. Allele origin: unknown.
Comment: NM_014244.4(ADAMTS2):c.37_39del3ins5(C13Sfs*153) is expected to be pathogenic in the context of Ehlers-Danlos syndrome, ADAMTS2-related. This variant is predicted to lead to an abnormal or absent protein product due to the creation of a premature termination codon in ADAMTS2, a gene where loss-of-function variants are known to be pathogenic. Please note: this variant was assessed in the context of healthy population screening.

NM_014244.5(ADAMTS2):c.37_39delinsAGCAG (p.Cys13fs)

Gene: ADAMTS2 (ADAM metallopeptidase with thrombospondin type 1 motif 2; minus strand). Cytogenetic location: 5q35.3.
Variant type: Indel.
Coding change: c.37_39delinsAGCAG on transcript NM_014244.5 (MANE Select); coding-DNA positions 37 to 39, TGC replaced by AGCAG.
Protein change: p.Cys13fs; shifts the reading frame from cysteine 13.
Molecular consequence: frameshift variant.
Genome position (GRCh38, 1-based): chr5:179,345,290-179,345,292, GCA replaced by CTGCT on the plus strand (TGC replaced by AGCAG on the coding strand, the reverse complement: ADAMTS2 is on the minus strand). VCF-style: chr5-179345290-GCA-CTGCT. GRCh37 (hg19) VCF-style: chr5-178772291-GCA-CTGCT.
Other names: c.37_39delinsAGCAG, p.Cys13fs (NM_021599.4); short protein forms C13fs.
Identifiers: ClinVar variation 5016387 (VCV005016387.1).